The following is an entry in ClinVar:

ClinVar aggregate classification (germline): Uncertain significance. Review status: criteria provided, multiple submitters, no conflicts (2 of 4 stars). 4 submissions from 4 submitters: Uncertain significance (4). Last evaluated 2026-06-29.

Conditions:
Cardiovascular phenotype. Identifiers: MedGen CN230736.
Osteogenesis imperfecta type I (OI1). Also called: Classic Non-deforming Osteogenesis Imperfecta with Blue Sclerae; Lobstein's Disease; Lobstein disease; OI, TYPE I; OSTEOGENESIS IMPERFECTA TARDA; OSTEOGENESIS IMPERFECTA WITH BLUE SCLERAE. Identifiers: Orphanet 216796, Orphanet 666, MedGen C0023931, MONDO:0008146, OMIM 166200. Disease mechanism: loss of function.

Allele frequency attached by ClinVar (database versions not stated): TOPMed 0.00002.
gnomAD v4.1: 46 of 1,613,556 alleles (0.0029%); highest among the groups gnomAD compares: Non-Finnish European, 0.0039%; no homozygotes.

Submissions (4):

Women's Health and Genetics/Laboratory Corporation of America, LabCorp
Classification: Uncertain significance. Last evaluated: 2026-06-29. Review status: criteria provided, single submitter. Criteria: LabCorp Variant Classification Summary - May 2015. Collection method: clinical testing. Allele origin: germline.
Comment: Variant summary: COL1A1 c.1821C>G (p.Val607Val) alters a nucleotide located close to a canonical splice site and therefore could affect mRNA splicing, leading to a significantly altered protein sequence. Consensus agreement among computation tools predict no significant impact on normal splicing. However, these predictions have yet to be confirmed by functional studies. The variant allele was found at a frequency of 1.2e-05 in 250704 control chromosomes. The available data on variant occurrences in the general population are insufficient to allow any conclusion about variant significance. To our knowledge, no occurrence of c.1821C>G in individuals affected with COL1A1-related conditions and no experimental evidence demonstrating its impact on protein function have been reported. ClinVar contains an entry for this variant (Variation ID: 1041740). Based on the evidence outlined above, the variant was classified as uncertain significance.

Ambry Genetics
Classification: Uncertain significance for Cardiovascular phenotype. Last evaluated: 2026-01-28. Review status: criteria provided, single submitter. Criteria: Ambry Variant Classification Scheme 2023. Collection method: clinical testing. Allele origin: germline.
Comment: The c.1821C>G variant (also known as p.V607V), located in coding exon 26 of the COL1A1 gene, results from a C to G substitution at nucleotide position 1821. This nucleotide substitution does not change the amino acid at codon 607. However, this change occurs in the last base pair of coding exon 26, which makes it likely to have some effect on normal mRNA splicing. This nucleotide position is poorly conserved in available vertebrate species. In silico splice site analysis predicts that this alteration will not have any significant effect on splicing. Based on the available evidence, the clinical significance of this variant remains unclear.

ARUP Laboratories, Molecular Genetics and Genomics, ARUP Laboratories
Classification: Uncertain significance. Last evaluated: 2025-05-30. Review status: criteria provided, single submitter. Criteria: ARUP Molecular Germline Variant Investigation Process 2024. Collection method: clinical testing. Allele origin: germline.
Comment: The COL1A1 c.1821C>G; p.Val607= variant (rs41316667), to our knowledge, is not reported in the medical literature but is reported in ClinVar (Variation ID: 1041740). This variant is only observed on three alleles in the Genome Aggregation Database (v2.1.1), indicating it is not a common polymorphism. This is a synonymous variant and computational analyses (Alamut Visual Plus v.1.12) predict that this variant does not alter splicing. However, since this variant is located within the minimal splice region, the clinical significance of this variant is uncertain at this time.

Labcorp Genetics (formerly Invitae), Labcorp
Classification: Uncertain significance for Osteogenesis imperfecta type I. Last evaluated: 2025-04-30. Review status: criteria provided, single submitter. Criteria: Invitae Variant Classification Sherloc (09022015). Collection method: clinical testing. Allele origin: germline.
Comment: This sequence change affects codon 607 of the COL1A1 mRNA. It is a 'silent' change, meaning that it does not change the encoded amino acid sequence of the COL1A1 protein. It affects a nucleotide within the consensus splice site. This variant is present in population databases (rs41316667, gnomAD 0.003%). This variant has not been reported in the literature in individuals affected with COL1A1-related conditions. ClinVar contains an entry for this variant (Variation ID: 1041740). Algorithms developed to predict the effect of sequence changes on RNA splicing suggest that this variant is not likely to affect RNA splicing. In summary, the available evidence is currently insufficient to determine the role of this variant in disease. Therefore, it has been classified as a Variant of Uncertain Significance.

NM_000088.4(COL1A1):c.1821C>G (p.Val607=)

Gene: COL1A1 (collagen type I alpha 1 chain; minus strand). Cytogenetic location: 17q21.33.
Variant type: single nucleotide variant.
Coding change: c.1821C>G on transcript NM_000088.4 (MANE Select); coding-DNA position 1821, C replaced by G.
Protein change: p.Val607=; no amino-acid change (valine 607 retained).
Molecular consequence: synonymous variant.
Genome position (GRCh38, 1-based): chr17:50,192,994, G>C on the plus strand (C>G on the coding strand, the complement: COL1A1 is on the minus strand). VCF-style: chr17-50192994-G-C. GRCh37 (hg19) VCF-style: chr17-48270355-G-C.
Other names: c.1821C>G (NM_000088.3).
Identifiers: ClinVar variation 1041740 (VCV001041740.12), dbSNP rs41316667, ClinGen allele CA8645092.
Genomic context (GRCh38, chr17:50,192,994, plus strand): 5'-GGAGGAGAAAGTGCCGGGGCAGCAATGGGAAGGAGGTAGGGATGGAAAGGAGATACTTAC[G>C]ACAGCGCCAGGGGGTCCGGGAACACCTCGCTCTCCAGCCTTGCCGGGCTCTCCCTGTGGA-3'
Protein context (NP_000079.2, residues 597-617): ERGVPGPPGA[Val607=]GPAGKDGEAG